The following is an entry in ClinVar:

ClinVar aggregate classification (germline): Uncertain significance. Review status: criteria provided, multiple submitters, no conflicts (2 of 4 stars). 2 submissions from 2 submitters: Uncertain significance (2). Last evaluated 2022-08-01.

Conditions:
Megalencephaly-polymicrogyria-postaxial polydactyly-hydrocephalus syndrome. Also called: MEG-PMG-MEGACC SYNDROME; MPPH Syndrome. Identifiers: Orphanet 83473, MedGen C1863924, MONDO:0019375.

Allele frequency attached by ClinVar (database versions not stated): TOPMed 0.00001; gnomAD exomes 0.00003.
gnomAD v4.1: 43 of 1,611,194 alleles (0.0027%); highest among the groups gnomAD compares: Non-Finnish European, 0.0035%; no homozygotes.

Submissions (2):

CeGaT Center for Human Genetics Tuebingen
Classification: Uncertain significance. Last evaluated: 2022-08-01. Review status: criteria provided, single submitter. Criteria: CeGaT Center For Human Genetics Tuebingen Variant Classification Criteria Version 2. Collection method: clinical testing. Allele origin: germline. Affected: yes. Observed: 1 variant allele.
Comment: PIK3R2: PM2:Supporting, BP4

Labcorp Genetics (formerly Invitae), Labcorp
Classification: Uncertain significance for Megalencephaly-polymicrogyria-postaxial polydactyly-hydrocephalus syndrome. Last evaluated: 2022-04-11. Review status: criteria provided, single submitter. Criteria: Invitae Variant Classification Sherloc (09022015). Collection method: clinical testing. Allele origin: germline.
Comment: This sequence change replaces proline, which is neutral and non-polar, with leucine, which is neutral and non-polar, at codon 322 of the PIK3R2 protein (p.Pro322Leu). The frequency data for this variant in the population databases is considered unreliable, as metrics indicate poor data quality at this position in the gnomAD database. This variant has not been reported in the literature in individuals affected with PIK3R2-related conditions. Advanced modeling of protein sequence and biophysical properties (such as structural, functional, and spatial information, amino acid conservation, physicochemical variation, residue mobility, and thermodynamic stability) performed at Invitae indicates that this missense variant is not expected to disrupt PIK3R2 protein function. In summary, the available evidence is currently insufficient to determine the role of this variant in disease. Therefore, it has been classified as a Variant of Uncertain Significance.

NM_005027.4(PIK3R2):c.965C>T (p.Pro322Leu)

Gene: PIK3R2 (phosphoinositide-3-kinase regulatory subunit 2; plus strand). Cytogenetic location: 19p13.11.
Variant type: single nucleotide variant.
Coding change: c.965C>T on transcript NM_005027.4 (MANE Select); coding-DNA position 965, C replaced by T.
Protein change: p.Pro322Leu; replaces proline 322 with leucine.
Molecular consequence: missense variant. On other transcripts: non-coding transcript variant (2).
Genome position (GRCh38, 1-based): chr19:18,162,265, C>T. VCF-style: chr19-18162265-C-T. GRCh37 (hg19) VCF-style: chr19-18273075-C-T.
Other names: short protein forms P322L.
Identifiers: ClinVar variation 2039152 (VCV002039152.28), dbSNP rs749479311, ClinGen allele CA9306881.